The following is an entry in ClinVar:

NM_000038.6(APC):c.5214_5215del (p.His1738fs)

Gene: APC (APC regulator of Wnt signaling pathway; plus strand). Cytogenetic location: 5q22.2.
Variant type: Microsatellite.
Coding change: c.5214_5215del on transcript NM_000038.6 (MANE Select); coding-DNA positions 5214 to 5215, 2 bases deleted (CA; older notation c.5214_5215delCA).
Protein change: p.His1738fs; shifts the reading frame from histidine 1738.
Molecular consequence: frameshift variant.
Genome position (GRCh38, 1-based): chr5:112,840,808-112,840,809, CA deleted; deleting any 2 consecutive bases within chr5:112,840,806-112,840,809 gives the same sequence; the c. name uses the placement nearest the transcript's 3' end. VCF-style (leftmost placement, unchanged base first): chr5-112840805-TCA-T. GRCh37 (hg19) VCF-style: chr5-112176502-TCA-T.
Other names: c.5091_5092del, p.His1697fs (NM_001354900.2); c.5037_5038del, p.His1679fs (NM_001354901.2); c.4941_4942del, p.His1647fs (NM_001354902.2); c.4911_4912del, p.His1637fs (NM_001354903.2); c.4836_4837del, p.His1612fs (NM_001354904.2); c.4734_4735del, p.His1578fs (NM_001354905.2); c.4365_4366del, p.His1455fs (NM_001354906.2); c.5214_5215del, p.His1738fs (NM_001127510.3, NM_001354895.2); and 6 more; short protein forms H1647fs, H1748fs, H1697fs, H1578fs, H1679fs, H1710fs, H1756fs, H1455fs.
Identifiers: ClinVar variation 1371144 (VCV001371144.10), dbSNP rs2149934819, ClinGen allele CA1139771098.
Genomic context (GRCh38, chr5:112,840,805, plus strand): 5'-AGCAGAGGAAGGTGATATTCTTGCAGAATGCATTAATTCTGCTATGCCCAAAGGGAAAAG[TCA>T]CAAGCCTTTCCGTGTGAAAAAGATAATGGACCAGGTCCAGCAAGCATCTGCGTCTTCTTC-3'

ClinVar aggregate classification (germline): Pathogenic/Likely pathogenic. Review status: criteria provided, multiple submitters, no conflicts (2 of 4 stars). 3 submissions from 3 submitters: Pathogenic (2); Likely pathogenic (1). Last evaluated 2026-03-20.

Conditions:
Familial adenomatous polyposis 1 (FAP1). Also called: FAMILIAL ADENOMATOUS POLYPOSIS 1, ATTENUATED; POLYPOSIS, ADENOMATOUS INTESTINAL. Identifiers: MedGen C2713442, MONDO:0021056, OMIM 175100. Disease mechanism: loss of function.
Hereditary cancer-predisposing syndrome. Also called: Neoplastic Syndromes, Hereditary; Tumor predisposition; Hereditary Cancer Syndrome; Hereditary neoplastic syndrome. Identifiers: Orphanet 140162, MedGen C0027672, MeSH D009386, MONDO:0015356.
Familial multiple polyposis syndrome (FAP). Also called: Familial Adenomatous Polyposis (FAP); Classic familial adenomatous polyposis; Familial adenomatous polyposis; Familial intestinal polyposis; Familial polyposis. Identifiers: Orphanet 733, MedGen C0032580, MONDO:0021055. Disease mechanism: loss of function.

Submissions (3):

Ambry Genetics
Classification: Likely pathogenic for Hereditary cancer-predisposing syndrome. Last evaluated: 2026-03-20. Review status: criteria provided, single submitter. Criteria: Ambry Variant Classification Scheme 2023. Collection method: clinical testing. Allele origin: germline.
Comment: The c.5214_5215delCA variant, located in coding exon 15 of the APC gene, results from a deletion of two nucleotides at nucleotide positions 5214 to 5215, causing a translational frameshift with a predicted alternate stop codon (p.H1738Qfs*30). This variant occurs at the 3' terminus of the gene, is not expected to trigger nonsense-mediated mRNA decay, and impacts the last 38.9% of the protein. However, premature stop codons are typically deleterious in nature and a significant portion of the protein is affected (Ambry internal data). This variant was reported in individual(s) with features consistent with APC-related familial adenomatous polyposis (Ambry internal data). This variant is considered to be rare based on population cohorts in the Genome Aggregation Database (gnomAD). Based on the majority of available evidence to date, this variant is likely to be pathogenic.

Women's Health and Genetics/Laboratory Corporation of America, LabCorp
Classification: Pathogenic for Familial multiple polyposis syndrome. Last evaluated: 2025-12-22. Review status: criteria provided, single submitter. Criteria: LabCorp Variant Classification Summary - May 2015. Collection method: clinical testing. Allele origin: germline.
Comment: Variant summary: APC c.5214_5215delCA (p.His1738GlnfsX30) results in a premature termination codon, predicted to cause a truncation of the encoded protein and at-least one downtream frameshift variant has been associated with disease at our lab (c.5863delG, p.Ala1955LeufsX15). The variant was absent in 250664 control chromosomes. c.5214_5215delCA has been observed in at-least one individual affected with Familial Adenomatous Polyposis (example, Siebe_2006). To our knowledge, no experimental evidence demonstrating an impact on protein function has been reported. The following publication has been ascertained in the context of this evaluation (PMID: 16461775). ClinVar contains an entry for this variant (Variation ID: 1371144). Based on the evidence outlined above, the variant was classified as pathogenic.

Labcorp Genetics (formerly Invitae), Labcorp
Classification: Pathogenic for Familial adenomatous polyposis 1. Last evaluated: 2022-08-10. Review status: criteria provided, single submitter. Criteria: Invitae Variant Classification Sherloc (09022015). Collection method: clinical testing. Allele origin: germline.
Comment: A different truncation (p.Tyr2645Lysfs*14) that lies downstream of this variant has been determined to be pathogenic (PMID: 9824584, 1316610, 27081525, 8381579, 22135120, Invitae). This suggests that deletion of this region of the APC protein is causative of disease. This variant is expected to disrupt the EB1 and HDLG binding sites, which mediate interactions with the cytoskeleton (PMID: 15311282, 17293347). While functional studies have not been performed to directly test the effect on APC protein function, this suggests that disruption of the C-terminal portion of the protein is functionally important. This variant has not been reported in the literature in individuals affected with APC-related conditions. This variant is not present in population databases (gnomAD no frequency). This sequence change creates a premature translational stop signal (p.His1738Glnfs*30) in the APC gene. While this is not anticipated to result in nonsense mediated decay, it is expected to disrupt the last 1106 amino acid(s) of the APC protein. For these reasons, this variant has been classified as Pathogenic.

Literature cited by the submitters: PubMed 16461775 (cited by Women's Health and Genetics/Laboratory Corporation of America, LabCorp); PubMed 9824584 (cited by Labcorp Genetics (formerly Invitae), Labcorp); PubMed 1316610 (cited by Labcorp Genetics (formerly Invitae), Labcorp); PubMed 27081525 (cited by Labcorp Genetics (formerly Invitae), Labcorp); PubMed 8381579 (cited by Labcorp Genetics (formerly Invitae), Labcorp); PubMed 22135120 (cited by Labcorp Genetics (formerly Invitae), Labcorp); PubMed 15311282 (cited by Labcorp Genetics (formerly Invitae), Labcorp); PubMed 17293347 (cited by Labcorp Genetics (formerly Invitae), Labcorp).